The following is an entry in ClinVar:

ClinVar aggregate classification (germline): Pathogenic (1 of 4 stars; one submission).

Conditions:
Polycystic kidney disease, adult type (PKD1). Also called: Polycystic Kidney, Autosomal Dominant; POLYCYSTIC KIDNEY DISEASE 1 WITH OR WITHOUT POLYCYSTIC LIVER DISEASE; POLYCYSTIC KIDNEY DISEASE, ADULT, TYPE I; Polycystic Kidney Disease 1, Autosomal Dominant; Polycystic kidney disease 1; Polycystic kidney disease 1, severe. Identifiers: MedGen C3149841, MONDO:0008263, OMIM 173900.

Submission:

Juno Genomics, Hangzhou Juno Genomics, Inc
Classification: Pathogenic for Polycystic kidney disease, adult type. Review status: criteria provided, single submitter. Criteria: ACMG Guidelines, 2015. Collection method: clinical testing. Allele origin: germline. Affected: yes.
Comment: Absent from controls (or at extremely low frequency if recessive) in Genome Aggregation Database, Exome Sequencing Project, 1000 Genomes Project, or Exome Aggregation Consortium.;Null variant in a gene where loss of function (LOF) is a known mechanism of disease.;Patient's phenotype or family history is highly specific for a disease with a single genetic etiology.

NM_001009944.3(PKD1):c.10803_10807del (p.Trp3603fs)

Genes: PKD1 (polycystin 1, transient receptor potential channel interacting; minus strand), PKD1-AS1 (PKD1 antisense RNA 1; plus strand). Cytogenetic location: 16p13.3.
Variant type: Deletion.
Coding change: c.10803_10807del on transcript NM_001009944.3 (MANE Select); coding-DNA positions 10803 to 10807, 5 bases deleted (CGGCT; older notation c.10803_10807delCGGCT).
Protein change: p.Trp3603fs; shifts the reading frame from tryptophan 3603.
Molecular consequence: frameshift variant.
Genome position (GRCh38, 1-based): chr16:2,093,825-2,093,829, AGCCG deleted on the plus strand (CGGCT on the coding strand, the reverse complement: PKD1 is on the minus strand); deleting any 5 consecutive bases within chr16:2,093,825-2,093,831 gives the same sequence; the c. name uses the placement nearest the transcript's 3' end. VCF-style (leftmost placement, unchanged base first): chr16-2093824-CAGCCG-C. GRCh37 (hg19) VCF-style: chr16-2143825-CAGCCG-C.
Other names: c.10800_10804del, p.Trp3602fs (NM_000296.4); short protein forms W3603fs, W3602fs.
Identifiers: ClinVar variation 3335846 (VCV003335846.2).